The following is an entry in ClinVar:

NM_000064.4(C3):c.3640G>C (p.Ala1214Pro)

Gene: C3 (complement C3; minus strand). Cytogenetic location: 19p13.3.
Variant type: single nucleotide variant.
Coding change: c.3640G>C on transcript NM_000064.4 (MANE Select); coding-DNA position 3640, G replaced by C.
Protein change: p.Ala1214Pro; replaces alanine 1214 with proline.
Molecular consequence: missense variant.
Genome position (GRCh38, 1-based): chr19:6,686,752, C>G on the plus strand (G>C on the coding strand, the complement: C3 is on the minus strand). VCF-style: chr19-6686752-C-G. GRCh37 (hg19) VCF-style: chr19-6686763-C-G.
Other names: short protein forms A1214P.
Identifiers: ClinVar variation 2970252 (VCV002970252.4), dbSNP rs369949940, ClinGen allele CA9128681.

ClinVar aggregate classification (germline): Uncertain significance. Review status: criteria provided, multiple submitters, no conflicts (2 of 4 stars). 2 submissions from 2 submitters: Uncertain significance (2). Last evaluated 2023-12-19.

Conditions:
Inborn genetic diseases. Identifiers: MedGen C0950123, MeSH D030342.

Allele frequency attached by ClinVar (database versions not stated): gnomAD 0.00001; TOPMed 0.00001; ExAC 0.00002; ESP Exome Variant Server 0.00008.
gnomAD v4.1: 5 of 1,613,780 alleles (0.00031%); highest among the groups gnomAD compares: Non-Finnish European, 0.00042%; no homozygotes.

Submissions (2):

Ambry Genetics
Classification: Uncertain significance for Inborn genetic diseases. Last evaluated: 2023-12-19. Review status: criteria provided, single submitter. Criteria: Ambry Variant Classification Scheme 2023. Collection method: clinical testing. Allele origin: germline.

Labcorp Genetics (formerly Invitae), Labcorp
Classification: Uncertain significance. Last evaluated: 2023-01-09. Review status: criteria provided, single submitter. Criteria: Invitae Variant Classification Sherloc (09022015). Collection method: clinical testing. Allele origin: germline.
Comment: This variant has not been reported in the literature in individuals affected with C3-related conditions. This variant is present in population databases (rs369949940, gnomAD 0.002%). This sequence change replaces alanine, which is neutral and non-polar, with proline, which is neutral and non-polar, at codon 1214 of the C3 protein (p.Ala1214Pro). In summary, the available evidence is currently insufficient to determine the role of this variant in disease. Therefore, it has been classified as a Variant of Uncertain Significance. Advanced modeling of protein sequence and biophysical properties (such as structural, functional, and spatial information, amino acid conservation, physicochemical variation, residue mobility, and thermodynamic stability) performed at Invitae indicates that this missense variant is not expected to disrupt C3 protein function.